The following is an entry in ClinVar:

NM_014908.4(DOLK):c.1413G>C (p.Lys471Asn)

Gene: DOLK (dolichol kinase; minus strand). Cytogenetic location: 9q34.11.
Variant type: single nucleotide variant.
Coding change: c.1413G>C on transcript NM_014908.4 (MANE Select); coding-DNA position 1413, G replaced by C.
Protein change: p.Lys471Asn; replaces lysine 471 with asparagine.
Molecular consequence: missense variant.
Genome position (GRCh38, 1-based): chr9:128,945,891, C>G on the plus strand (G>C on the coding strand, the complement: DOLK is on the minus strand). VCF-style: chr9-128945891-C-G. GRCh37 (hg19) VCF-style: chr9-131708170-C-G.
Other names: short protein forms K471N.
Identifiers: ClinVar variation 1386634 (VCV001386634.8), dbSNP rs1336940137, ClinGen allele CA375116882.

ClinVar aggregate classification (germline): Uncertain significance (1 of 4 stars; one submission).

Conditions:
DK1-congenital disorder of glycosylation. Also called: CONGENITAL DISORDER OF GLYCOSYLATION, TYPE Im; DK1-CDG; CDG Im; DK1 DEFICIENCY; DOLICHOL KINASE DEFICIENCY; DOLK-congenital disorder of glycosylation. Identifiers: Orphanet 91131, MedGen C1835849, MONDO:0012556, OMIM 610768.

Allele frequency attached by ClinVar (database versions not stated): gnomAD exomes 0.00001.
gnomAD v4.1: 3 of 1,614,198 alleles (0.00019%); highest among the groups gnomAD compares: East Asian, 0.0067%; no homozygotes.

Submission:

Labcorp Genetics (formerly Invitae), Labcorp
Classification: Uncertain significance for DK1-congenital disorder of glycosylation. Last evaluated: 2020-11-11. Review status: criteria provided, single submitter. Criteria: Invitae Variant Classification Sherloc (09022015). Collection method: clinical testing. Allele origin: germline.
Comment: This sequence change replaces lysine with asparagine at codon 471 of the DOLK protein (p.Lys471Asn). The lysine residue is highly conserved and there is a moderate physicochemical difference between lysine and asparagine. This variant is not present in population databases (ExAC no frequency). This variant has not been reported in the literature in individuals with DOLK-related conditions. Algorithms developed to predict the effect of missense changes on protein structure and function (SIFT, PolyPhen-2, Align-GVGD) all suggest that this variant is likely to be disruptive, but these predictions have not been confirmed by published functional studies and their clinical significance is uncertain. In summary, the available evidence is currently insufficient to determine the role of this variant in disease. Therefore, it has been classified as a Variant of Uncertain Significance.